The following is an entry in ClinVar:

NM_032608.7(MYO18B):c.3872T>C (p.Ile1291Thr)

Gene: MYO18B (myosin XVIIIB; plus strand). Cytogenetic location: 22q12.1.
Variant type: single nucleotide variant.
Coding change: c.3872T>C on transcript NM_032608.7 (MANE Select); coding-DNA position 3872, T replaced by C.
Protein change: p.Ile1291Thr; replaces isoleucine 1291 with threonine.
Molecular consequence: missense variant.
Genome position (GRCh38, 1-based): chr22:25,851,566, T>C. VCF-style: chr22-25851566-T-C. GRCh37 (hg19) VCF-style: chr22-26247533-T-C.
Other names: c.3875T>C, p.Ile1292Thr (NM_001318245.2); short protein forms I1291T, I1292T.
Identifiers: ClinVar variation 1440125 (VCV001440125.8), dbSNP rs1367058714, ClinGen allele CA411002872.
Genomic context (GRCh38, chr22:25,851,566, plus strand): 5'-GGCAATTCCAGGTGCTGGACGCTCCACTCCTGAAGAAGCTCATGTCGACCTCCGAGGGAA[T>C]AGATGAAAGGAAGGTAGGTGGAGCACATGCGAGAGGGGTGAAGGCCCTAGATATGGATAT-3'
Protein context (NP_115997.5, residues 1281-1301): LKKLMSTSEG[Ile1291Thr]DERKAVEELL

ClinVar aggregate classification (germline): Uncertain significance (1 of 4 stars; one submission).

Allele frequency attached by ClinVar (database versions not stated): gnomAD exomes below 0.00001 and 0.00001; gnomAD 0.00001; TOPMed 0.00001.
gnomAD v4.1: 3 of 1,556,010 alleles (0.00019%); highest among the groups gnomAD compares: Admixed American, 0.0058%; no homozygotes.

Submission:

Labcorp Genetics (formerly Invitae), Labcorp
Classification: Uncertain significance. Last evaluated: 2022-07-06. Review status: criteria provided, single submitter. Criteria: Invitae Variant Classification Sherloc (09022015). Collection method: clinical testing. Allele origin: germline.
Comment: This sequence change replaces isoleucine with threonine at codon 1291 of the MYO18B protein (p.Ile1291Thr). The isoleucine residue is weakly conserved and there is a moderate physicochemical difference between isoleucine and threonine. The frequency data for this variant in the population databases is considered unreliable, as metrics indicate poor data quality at this position in the gnomAD database. This variant has not been reported in the literature in individuals affected with MYO18B-related conditions. ClinVar contains an entry for this variant (Variation ID: 1440125). Algorithms developed to predict the effect of missense changes on protein structure and function output the following: SIFT: "Not Available"; PolyPhen-2: "Benign"; Align-GVGD: "Not Available". The threonine amino acid residue is found in multiple mammalian species, which suggests that this missense change does not adversely affect protein function. In summary, the available evidence is currently insufficient to determine the role of this variant in disease. Therefore, it has been classified as a Variant of Uncertain Significance.